The following is an entry in ClinVar:

NM_005228.5(EGFR):c.1881-813T>C

Gene: EGFR (epidermal growth factor receptor; plus strand). Cytogenetic location: 7p11.2.
Variant type: single nucleotide variant.
Coding change: c.1881-813T>C on transcript NM_005228.5 (MANE Select); 813 bases into the intron before coding-DNA position 1881, T replaced by C.
Molecular consequence: intron variant. On other transcripts: missense variant (1).
Genome position (GRCh38, 1-based): chr7:55,170,362, T>C. VCF-style: chr7-55170362-T-C. GRCh37 (hg19) VCF-style: chr7-55238055-T-C.
Other names: c.1936T>C, p.Cys646Arg (NM_201284.2); c.1746-813T>C (NM_001346899.2, NM_001346897.2); c.1080-813T>C (NM_001346941.2); c.1881-813T>C (NM_001346898.2); c.1722-813T>C (NM_001346900.2); short protein forms C646R.
Identifiers: ClinVar variation 5035769 (VCV005035769.1).
Genomic context (GRCh38, chr7:55,170,362, plus strand): 5'-TCCAGGCCAGGAAATGAGAGTCTCAAAGCCATGTTATTCTGCCTTTTTAAACTATCATCC[T>C]GTAATCAAAGTAATGATGGCAGCGTGTCCCACCAGAGCGGGAGCCCAGCTGCTCAGGAGT-3'

ClinVar aggregate classification (germline): Uncertain significance (1 of 4 stars; one submission).

Conditions:
Hereditary cancer-predisposing syndrome. Also called: Hereditary Cancer Syndrome; Neoplastic Syndromes, Hereditary; Tumor predisposition; Hereditary neoplastic syndrome. Identifiers: Orphanet 140162, MedGen C0027672, MeSH D009386, MONDO:0015356.

Submission:

Ambry Genetics
Classification: Uncertain significance for Hereditary cancer-predisposing syndrome. Last evaluated: 2026-07-07. Review status: criteria provided, single submitter. Criteria: Ambry Variant Classification Scheme 2023. Collection method: clinical testing. Allele origin: germline.
Comment: The p.C646R variant (also known as c.1936T>C), located in coding exon 16 of the EGFR gene, results from a T to C substitution at nucleotide position 1936. The cysteine at codon 646 is replaced by arginine, an amino acid with highly dissimilar properties. This amino acid position is conserved. In addition, this alteration is predicted to be tolerated by in silico analysis. Based on the available evidence, the clinical significance of this variant remains unclear.